The following is an entry in ClinVar:

ClinVar aggregate classification (germline): Pathogenic. Review status: criteria provided, multiple submitters, no conflicts (2 of 4 stars). 11 submissions from 11 submitters: Pathogenic (5). 6 of the submissions do not count toward it. Last evaluated 2026-07-01.

Conditions:
Alexander disease (ALXDRD). Also called: Alexander's disease. Identifiers: Orphanet 58, MedGen C0270726, MONDO:0008752, OMIM 203450.

Submissions (11):

CeGaT Center for Human Genetics Tuebingen
Classification: Pathogenic. Last evaluated: 2026-07-01. Review status: criteria provided, single submitter. Criteria: CeGaT Center For Human Genetics Tuebingen Variant Classification Criteria Version 2. Collection method: clinical testing. Allele origin: germline. Affected: yes. Observed: 3 variant alleles.
Comment: GFAP: PS2, PS4, PM1, PM2, PM5, PP2, PP3, PS3:Supporting

Labcorp Genetics (formerly Invitae), Labcorp
Classification: Pathogenic. Last evaluated: 2025-10-27. Review status: criteria provided, single submitter. Criteria: Invitae Variant Classification Sherloc (09022015). Collection method: clinical testing. Allele origin: germline.
Comment: This sequence change replaces arginine, which is basic and polar, with histidine, which is basic and polar, at codon 79 of the GFAP protein (p.Arg79His). This variant is not present in population databases (gnomAD no frequency). This missense change has been observed in individual(s) with Alexander disease (PMID: 11138011, 16168593, 31942421, 31956193). In at least one individual the variant was observed to be de novo. This variant is also known as 250G>A R79H. ClinVar contains an entry for this variant (Variation ID: 16170). Invitae Evidence Modeling of protein sequence and biophysical properties (such as structural, functional, and spatial information, amino acid conservation, physicochemical variation, residue mobility, and thermodynamic stability) indicates that this missense variant is expected to disrupt GFAP protein function with a positive predictive value of 95%. Experimental studies have shown that this missense change affects GFAP function (PMID: 17065456, 23432455, 28882119). This variant disrupts the p.Arg79 amino acid residue in GFAP. Other variant(s) that disrupt this residue have been determined to be pathogenic (PMID: 11138011, 18584981, 23254569, 28882119). This suggests that this residue is clinically significant, and that variants that disrupt this residue are likely to be disease-causing. For these reasons, this variant has been classified as Pathogenic.

Mayo Clinic Laboratories, Mayo Clinic
Classification: Pathogenic. Last evaluated: 2023-06-20. Review status: criteria provided, single submitter. Criteria: ACMG Guidelines, 2015. Collection method: clinical testing. Allele origin: germline. Observed: 1 variant allele.
Comment: PP2, PP3, PM2_moderate, PM5, PM6, PS3, PS4

GeneDx
Classification: Pathogenic. Last evaluated: 2023-03-23. Review status: criteria provided, single submitter. Criteria: GeneDx Variant Classification Process June 2021. Collection method: clinical testing. Allele origin: germline. Affected: yes.
Comment: Published functional studies in mouse models and zebrafish demonstrate a damaging effect (Hagemann et al., 2006; Lee et al., 2017); Not observed in large population cohorts (gnomAD); In silico analysis supports that this missense variant has a deleterious effect on protein structure/function; This variant is associated with the following publications: (PMID: 11567214, 12034785, 28882119, 31932408, 31956193, 35105675, 34950187, 34865968, 17065456, 11138011, 23364391, 23432455, 16168593, 19444543, 30134051, 31952467, 31942421, 34146839, 35231114, 35511821)

Revvity Omics, Revvity
Classification: Pathogenic for Alexander disease. Last evaluated: 2022-06-14. Review status: criteria provided, single submitter. Criteria: ACMG Guidelines, 2015. Collection method: clinical testing. Allele origin: germline.

Solve-RD Consortium
Classification: Likely pathogenic for Alexander disease. Last evaluated: 2022-06-01. Review status: no assertion criteria provided. Collection method: provider interpretation. Allele origin: inherited. Affected: yes. Not counted in ClinVar's aggregate classification.
Comment: Variant confirmed as disease-causing by referring clinical team

Variant identified during reanalysis of unsolved cases by the Solve-RD project. The Solve-RD project has received funding from the European Union’s Horizon 2020 research and innovation programme under grant agreement No 779257.

UOSD Laboratory of Genetics & Genomics of Rare Diseases, Istituto Giannina Gaslini
Classification: Pathogenic for Alexander disease. Last evaluated: 2021-08-15. Review status: no assertion criteria provided. Collection method: research. Allele origin: somatic. Inheritance: Somatic mutation. Affected: no. Observed: 1 variant allele, 1 heterozygote. Not counted in ClinVar's aggregate classification.
Comment: White matter abnormalities Cognitive impairment Scoliosis/Hip dislocation

OMIM
Classification: Pathogenic for ALEXANDER DISEASE. Last evaluated: 2001-01-01. Review status: no assertion criteria provided. Collection method: literature only. Allele origin: germline. Not counted in ClinVar's aggregate classification.

Epithelial Biology;  Institute of Medical Biology, Singapore
No classification provided. Review status: no classification provided. Collection method: not provided. Allele origin: not provided. Not counted in ClinVar's aggregate classification.

GeneReviews
No classification provided. Condition: Alexander disease. Review status: no classification provided. Collection method: literature only. Allele origin: germline. Affected: yes. Not counted in ClinVar's aggregate classification.

Hong-Tao Li Lab, Institute of Brain Science and Brain-inspired Research, Shandong First Medical University & Shandong Academy of Medical Sciences China
Classification: Pathogenic for Alexander disease. Review status: no assertion criteria provided. Collection method: research. Allele origin: germline. Inheritance: Autosomal dominant inheritance. Affected: yes. Observed: 1 variant allele, 1 heterozygote. Not counted in ClinVar's aggregate classification.
Comment: Observed in affected individuals from a Pakistani neurodevelopmental-disorder research cohort of 263 individuals. Classification assigned using the ACMG/AMP framework.

Literature cited by the submitters: PubMed 11138011 (cited by 3 submitters); PubMed 16168593 (cited by Labcorp Genetics (formerly Invitae), Labcorp and GeneReviews); PubMed 31942421 (cited by Labcorp Genetics (formerly Invitae), Labcorp and Mayo Clinic Laboratories, Mayo Clinic); PubMed 31956193 (cited by Labcorp Genetics (formerly Invitae), Labcorp); PubMed 17065456 (cited by Labcorp Genetics (formerly Invitae), Labcorp and Mayo Clinic Laboratories, Mayo Clinic); PubMed 23432455 (cited by Labcorp Genetics (formerly Invitae), Labcorp and Mayo Clinic Laboratories, Mayo Clinic); PubMed 28882119 (cited by Labcorp Genetics (formerly Invitae), Labcorp and Mayo Clinic Laboratories, Mayo Clinic); PubMed 18584981 (cited by Labcorp Genetics (formerly Invitae), Labcorp); PubMed 23254569 (cited by Labcorp Genetics (formerly Invitae), Labcorp); PubMed 21917775 (cited by Mayo Clinic Laboratories, Mayo Clinic); PubMed 24427505 (cited by Mayo Clinic Laboratories, Mayo Clinic and GeneReviews); PubMed 39825153 (cited by Solve-RD Consortium); PubMed 19444543 (cited by UOSD Laboratory of Genetics & Genomics of Rare Diseases, Istituto Giannina Gaslini); PubMed 23903069 (cited by GeneReviews); PubMed 21533827 (cited by GeneReviews); PubMed 20849398 (cited by GeneReviews); PubMed 11567214 (cited by GeneReviews); PubMed 12034785 (cited by GeneReviews); PubMed 12368989 (cited by GeneReviews); PubMed 12638020 (cited by GeneReviews); NCBI Bookshelf NBK1172 (cited by GeneReviews).

NM_002055.5(GFAP):c.236G>A (p.Arg79His)

Gene: GFAP (glial fibrillary acidic protein; minus strand). Cytogenetic location: 17q21.31.
Variant type: single nucleotide variant.
Coding change: c.236G>A on transcript NM_002055.5 (MANE Select); coding-DNA position 236, G replaced by A.
Protein change: p.Arg79His; replaces arginine 79 with histidine.
Molecular consequence: missense variant.
Genome position (GRCh38, 1-based): chr17:44,915,251, C>T on the plus strand (G>A on the coding strand, the complement: GFAP is on the minus strand). VCF-style: chr17-44915251-C-T. GRCh37 (hg19) VCF-style: chr17-42992619-C-T.
Other names: c.236G>A, p.Arg79His (NM_001131019.3, NM_001242376.3, NM_001363846.2); short protein forms R79H.
Identifiers: ClinVar variation 16170 (VCV000016170.51), dbSNP rs59285727, ClinGen allele CA217167.